The following is an entry in ClinVar:

ClinVar aggregate classification (germline): Uncertain significance (1 of 4 stars; one submission).

gnomAD v4.1: 1 of 1,614,114 alleles (0.000062%); highest among the groups gnomAD compares: Non-Finnish European, 0.000085%; no homozygotes.

Submission:

Ambry Genetics
Classification: Uncertain significance. Last evaluated: 2024-06-30. Review status: criteria provided, single submitter. Criteria: Ambry Variant Classification Scheme 2023. Collection method: clinical testing. Allele origin: germline.
Comment: The p.R45T variant (also known as c.134G>C), located in coding exon 1 of the MNDA gene, results from a G to C substitution at nucleotide position 134. The arginine at codon 45 is replaced by threonine, an amino acid with similar properties. This amino acid position is conserved. In addition, this alteration is predicted to be tolerated by in silico analysis. Based on the available evidence, the clinical significance of this variant remains unclear.

NM_002432.3(MNDA):c.134G>C (p.Arg45Thr)

Gene: MNDA (myeloid cell nuclear differentiation antigen; plus strand). Cytogenetic location: 1q23.1.
Variant type: single nucleotide variant.
Coding change: c.134G>C on transcript NM_002432.3 (MANE Select); coding-DNA position 134, G replaced by C.
Protein change: p.Arg45Thr; replaces arginine 45 with threonine.
Molecular consequence: missense variant.
Genome position (GRCh38, 1-based): chr1:158,842,287, G>C. VCF-style: chr1-158842287-G-C. GRCh37 (hg19) VCF-style: chr1-158812077-G-C.
Other names: short protein forms R45T.
Identifiers: ClinVar variation 3397274 (VCV003397274.1).